The following is an entry in ClinVar:

NM_006306.4(SMC1A):c.739A>G (p.Lys247Glu)

Gene: SMC1A (structural maintenance of chromosomes 1A; minus strand). Cytogenetic location: Xp11.22.
Variant type: single nucleotide variant.
Coding change: c.739A>G on transcript NM_006306.4 (MANE Select); coding-DNA position 739, A replaced by G.
Protein change: p.Lys247Glu; replaces lysine 247 with glutamic acid.
Molecular consequence: missense variant.
Genome position (GRCh38, 1-based): chrX:53,413,015, T>C on the plus strand (A>G on the coding strand, the complement: SMC1A is on the minus strand). VCF-style: chrX-53413015-T-C. GRCh37 (hg19) VCF-style: chrX-53439965-T-C.
Other names: c.673A>G, p.Lys225Glu (NM_001281463.1); short protein forms K247E, K225E.
Identifiers: ClinVar variation 2844162 (VCV002844162.3), dbSNP rs2075719463, ClinGen allele CA413258606.

ClinVar aggregate classification (germline): Uncertain significance (1 of 4 stars; one submission).

Conditions:
Congenital muscular hypertrophy-cerebral syndrome (CDLS2). Also called: Cornelia de Lange syndrome 2; SMC1A-Related Cornelia de Lange Syndrome. Identifiers: Orphanet 199, MedGen C1802395, MONDO:0010370, OMIM 300590.

Allele frequency attached by ClinVar (database versions not stated): gnomAD exomes below 0.00001.
gnomAD v4.1: 1 of 1,210,319 alleles (0.000083%); highest among the groups gnomAD compares: Non-Finnish European, 0.00011%; no homozygotes.

Submission:

Labcorp Genetics (formerly Invitae), Labcorp
Classification: Uncertain significance for Congenital muscular hypertrophy-cerebral syndrome. Last evaluated: 2023-03-08. Review status: criteria provided, single submitter. Criteria: Invitae Variant Classification Sherloc (09022015). Collection method: clinical testing. Allele origin: germline.
Comment: This sequence change replaces lysine, which is basic and polar, with glutamic acid, which is acidic and polar, at codon 247 of the SMC1A protein (p.Lys247Glu). This variant is not present in population databases (gnomAD no frequency). This variant has not been reported in the literature in individuals affected with SMC1A-related conditions. Advanced modeling of protein sequence and biophysical properties (such as structural, functional, and spatial information, amino acid conservation, physicochemical variation, residue mobility, and thermodynamic stability) performed at Invitae indicates that this missense variant is not expected to disrupt SMC1A protein function. In summary, the available evidence is currently insufficient to determine the role of this variant in disease. Therefore, it has been classified as a Variant of Uncertain Significance.